The following is an entry in ClinVar:

NM_002335.4(LRP5):c.700G>A (p.Glu234Lys)

Gene: LRP5 (LDL receptor related protein 5; plus strand). Cytogenetic location: 11q13.2.
Variant type: single nucleotide variant.
Coding change: c.700G>A on transcript NM_002335.4 (MANE Select); coding-DNA position 700, G replaced by A.
Protein change: p.Glu234Lys; replaces glutamic acid 234 with lysine.
Molecular consequence: missense variant. On other transcripts: 5 prime UTR variant (1).
Genome position (GRCh38, 1-based): chr11:68,363,760, G>A. VCF-style: chr11-68363760-G-A. GRCh37 (hg19) VCF-style: chr11-68131228-G-A.
Other names: c.-1066G>A (NM_001291902.2); short protein forms E234K.
Identifiers: ClinVar variation 1915900 (VCV001915900.6), dbSNP rs2098629323, ClinGen allele CA381610923.

ClinVar aggregate classification (germline): Uncertain significance. Review status: criteria provided, multiple submitters, no conflicts (2 of 4 stars). 2 submissions from 2 submitters: Uncertain significance (2). Last evaluated 2025-04-17.

Allele frequency attached by ClinVar (database versions not stated): gnomAD exomes below 0.00001; TOPMed below 0.00001; gnomAD 0.00001.
gnomAD v4.1: 3 of 1,612,446 alleles (0.00019%); highest among the groups gnomAD compares: Non-Finnish European, 0.00025%; no homozygotes.

Submissions (2):

Labcorp Genetics (formerly Invitae), Labcorp
Classification: Uncertain significance. Last evaluated: 2025-04-17. Review status: criteria provided, single submitter. Criteria: Invitae Variant Classification Sherloc (09022015). Collection method: clinical testing. Allele origin: germline.
Comment: This sequence change replaces glutamic acid, which is acidic and polar, with lysine, which is basic and polar, at codon 234 of the LRP5 protein (p.Glu234Lys). This variant is not present in population databases (gnomAD no frequency). This variant has not been reported in the literature in individuals affected with LRP5-related conditions. ClinVar contains an entry for this variant (Variation ID: 1915900). Invitae Evidence Modeling of protein sequence and biophysical properties (such as structural, functional, and spatial information, amino acid conservation, physicochemical variation, residue mobility, and thermodynamic stability) indicates that this missense variant is not expected to disrupt LRP5 protein function with a negative predictive value of 95%. In summary, the available evidence is currently insufficient to determine the role of this variant in disease. Therefore, it has been classified as a Variant of Uncertain Significance.

Blueprint Genetics
Classification: Uncertain significance. Last evaluated: 2019-04-24. Review status: criteria provided, single submitter. Criteria: ACMG Guidelines, 2015. Collection method: clinical testing. Allele origin: germline.